The following is an entry in ClinVar:

ClinVar aggregate classification (germline): Uncertain significance (1 of 4 stars; one submission).

Conditions:
Charcot-Marie-Tooth disease recessive intermediate C. Also called: CHARCOT-MARIE-TOOTH NEUROPATHY, RECESSIVE INTERMEDIATE C. Identifiers: Orphanet 369867, MedGen C3809309, MONDO:0014154, OMIM 615376.
Neuronopathy, distal hereditary motor, autosomal recessive 4. Also called: Autosomal recessive lower motor neuron disease with childhood onset; NEUROPATHY, DISTAL HEREDITARY MOTOR, AUTOSOMAL RECESSIVE 4. Identifiers: Orphanet 206580, MedGen C1970211, MONDO:0012608, OMIM 611067.

Allele frequency attached by ClinVar (database versions not stated): ExAC 0.00003; TOPMed 0.00003; ESP Exome Variant Server 0.00008.
gnomAD v4.1: 33 of 1,613,572 alleles (0.002%); highest among the groups gnomAD compares: African/African-American, 0.0027%; no homozygotes.

Submission:

Labcorp Genetics (formerly Invitae), Labcorp
Classification: Uncertain significance for Neuronopathy, distal hereditary motor, autosomal recessive 4; Charcot-Marie-Tooth disease recessive intermediate C. Last evaluated: 2022-01-19. Review status: criteria provided, single submitter. Criteria: Invitae Variant Classification Sherloc (09022015). Collection method: clinical testing. Allele origin: germline.
Comment: This sequence change replaces alanine, which is neutral and non-polar, with valine, which is neutral and non-polar, at codon 114 of the PLEKHG5 protein (p.Ala114Val). This variant is present in population databases (rs145395747, gnomAD 0.006%). This variant has not been reported in the literature in individuals affected with PLEKHG5-related conditions. Algorithms developed to predict the effect of missense changes on protein structure and function (SIFT, PolyPhen-2, Align-GVGD) all suggest that this variant is likely to be tolerated. In summary, the available evidence is currently insufficient to determine the role of this variant in disease. Therefore, it has been classified as a Variant of Uncertain Significance.

NM_020631.6(PLEKHG5):c.341C>T (p.Ala114Val)

Gene: PLEKHG5 (pleckstrin homology and RhoGEF domain containing G5; minus strand). Cytogenetic location: 1p36.31.
Variant type: single nucleotide variant.
Coding change: c.341C>T on transcript NM_020631.6 (MANE Select); coding-DNA position 341, C replaced by T.
Protein change: p.Ala114Val; replaces alanine 114 with valine.
Molecular consequence: missense variant.
Genome position (GRCh38, 1-based): chr1:6,474,549, G>A on the plus strand (C>T on the coding strand, the complement: PLEKHG5 is on the minus strand). VCF-style: chr1-6474549-G-A. GRCh37 (hg19) VCF-style: chr1-6534609-G-A.
Other names: c.452C>T, p.Ala151Val (NM_001042663.3, NM_001265592.2); c.341C>T, p.Ala114Val (NM_001042664.2, NM_001042665.2, NM_001265594.3 and 1 more transcripts); c.548C>T, p.Ala183Val (NM_001265593.2); short protein forms A114V, A151V, A183V.
Identifiers: ClinVar variation 1925468 (VCV001925468.2), dbSNP rs145395747, ClinGen allele CA561880.
Genomic context (GRCh38, chr1:6,474,549, plus strand): 5'-TCGAAGGTGAGGGACAGGGGTGTGTTGGACTGGTCCAGGTAGATGTCCACTTTGCCCAGC[G>A]CAATGCCCTTCCTTTCAAATACAGGCAGCAGCACCTCCCTGCCCCCAGGACAGGAGGCAT-3'
Protein context (NP_065682.2, residues 104-124): LLPVFERKGI[Ala114Val]LGKVDIYLDQ